The following is an entry in ClinVar:

ClinVar aggregate classification (germline): Uncertain significance (1 of 4 stars; one submission).

gnomAD v4.1: 17 of 1,548,974 alleles (0.0011%); highest among the groups gnomAD compares: Admixed American, 0.004%; 1 homozygote.

Submission:

GeneDx
Classification: Uncertain significance. Last evaluated: 2024-12-22. Review status: criteria provided, single submitter. Criteria: GeneDx Variant Classification Process June 2021. Collection method: clinical testing. Allele origin: germline. Affected: yes.
Comment: Not observed at significant frequency in large population cohorts (gnomAD); In silico analysis supports that this missense variant has a deleterious effect on protein structure/function; Has not been previously published as pathogenic or benign to our knowledge

NM_001145026.2(PTPRQ):c.1961A>G (p.Asn654Ser)

Gene: PTPRQ (protein tyrosine phosphatase receptor type Q; plus strand). Cytogenetic location: 12q21.31.
Variant type: single nucleotide variant.
Coding change: c.1961A>G on transcript NM_001145026.2 (MANE Select); coding-DNA position 1961, A replaced by G.
Protein change: p.Asn654Ser; replaces asparagine 654 with serine.
Molecular consequence: missense variant.
Genome position (GRCh38, 1-based): chr12:80,496,077, A>G. VCF-style: chr12-80496077-A-G. GRCh37 (hg19) VCF-style: chr12-80889856-A-G.
Other names: short protein forms N654S.
Identifiers: ClinVar variation 3907788 (VCV003907788.1).
Genomic context (GRCh38, chr12:80,496,077, plus strand): 5'-AATACAAAATGAGAGTGGCAGCCTCAACCCACGTTGGAGAAAGTTCTTTGTCTGAAGAAA[A>G]TGACATCTTTGTGAGAACTTCAGAAGATGGTAAGAATATCAATTGCAGCTTTAATTTTTT-3'
Protein context (NP_001138498.1, residues 644-664): HVGESSLSEE[Asn654Ser]DIFVRTSEDE